The following is an entry in ClinVar:

ClinVar aggregate classification (germline): Conflicting classifications of pathogenicity. Review status: criteria provided, conflicting classifications (1 of 4 stars). 3 submissions from 3 submitters: Uncertain significance (2); Likely benign (1). Last evaluated 2025-05-13.

Allele frequency attached by ClinVar (database versions not stated): gnomAD 0.00004 and 0.00005; gnomAD exomes 0.00004; ExAC 0.00006; TOPMed 0.00007; ESP Exome Variant Server 0.00008.
gnomAD v4.1: 69 of 1,613,754 alleles (0.0043%); highest among the groups gnomAD compares: Middle Eastern, 0.016%; no homozygotes.

Submissions (3):

Labcorp Genetics (formerly Invitae), Labcorp
Classification: Uncertain significance. Last evaluated: 2025-05-13. Review status: criteria provided, single submitter. Criteria: Invitae Variant Classification Sherloc (09022015). Collection method: clinical testing. Allele origin: germline.
Comment: This sequence change replaces threonine, which is neutral and polar, with methionine, which is neutral and non-polar, at codon 1312 of the A2ML1 protein (p.Thr1312Met). This variant is present in population databases (rs201083574, gnomAD 0.007%). This variant has not been reported in the literature in individuals affected with A2ML1-related conditions. ClinVar contains an entry for this variant (Variation ID: 1046314). An algorithm developed to predict the effect of missense changes on protein structure and function outputs the following: PolyPhen-2: "Benign". The methionine amino acid residue is found in multiple mammalian species, which suggests that this missense change does not adversely affect protein function. In summary, the available evidence is currently insufficient to determine the role of this variant in disease. Therefore, it has been classified as a Variant of Uncertain Significance.

Ambry Genetics
Classification: Uncertain significance. Last evaluated: 2025-01-04. Review status: criteria provided, single submitter. Criteria: Ambry Variant Classification Scheme 2023. Collection method: clinical testing. Allele origin: germline.
Comment: The p.T1312M variant (also known as c.3935C>T), located in coding exon 31 of the A2ML1 gene, results from a C to T substitution at nucleotide position 3935. The threonine at codon 1312 is replaced by methionine, an amino acid with similar properties. This amino acid position is conserved. In addition, this alteration is predicted to be tolerated by in silico analysis. Since supporting evidence is limited at this time, the clinical significance of this alteration remains unclear.

Women's Health and Genetics/Laboratory Corporation of America, LabCorp
Classification: Likely benign. Last evaluated: 2023-06-18. Review status: criteria provided, single submitter. Criteria: LabCorp Variant Classification Summary - May 2015. Collection method: clinical testing. Allele origin: germline.

NM_144670.6(A2ML1):c.3935C>T (p.Thr1312Met)

Gene: A2ML1 (alpha-2-macroglobulin like 1; plus strand). Cytogenetic location: 12p13.31.
Variant type: single nucleotide variant.
Coding change: c.3935C>T on transcript NM_144670.6 (MANE Select); coding-DNA position 3935, C replaced by T.
Protein change: p.Thr1312Met; replaces threonine 1312 with methionine.
Molecular consequence: missense variant.
Genome position (GRCh38, 1-based): chr12:8,868,231, C>T. VCF-style: chr12-8868231-C-T. GRCh37 (hg19) VCF-style: chr12-9020827-C-T.
Other names: c.2462C>T, p.Thr821Met (NM_001282424.3); c.3935C>T (NM_144670.5); short protein forms T1312M, T821M.
Identifiers: ClinVar variation 1046314 (VCV001046314.13), dbSNP rs201083574, ClinGen allele CA6436532.